The following is an entry in ClinVar:

NM_001127208.3(TET2):c.4657C>T (p.Gln1553Ter)

Genes: TET2 (tet methylcytosine dioxygenase 2; plus strand), TET2-AS1 (TET2 antisense RNA 1; minus strand). Cytogenetic location: 4q24.
Variant type: single nucleotide variant.
Coding change: c.4657C>T on transcript NM_001127208.3 (MANE Select); coding-DNA position 4657, C replaced by T.
Protein change: p.Gln1553Ter; replaces glutamine 1553 with a stop codon.
Molecular consequence: nonsense.
Genome position (GRCh38, 1-based): chr4:105,275,167, C>T. VCF-style: chr4-105275167-C-T. GRCh37 (hg19) VCF-style: chr4-106196324-C-T.
Other names: short protein forms Q1553*.
Identifiers: ClinVar variation 3680751 (VCV003680751.2).

ClinVar aggregate classification (germline): Uncertain significance (1 of 4 stars; one submission).

gnomAD v4.1: 1 of 1,552,204 alleles (0.000064%); highest among the groups gnomAD compares: Non-Finnish European, 0.000087%; no homozygotes.

Submission:

Labcorp Genetics (formerly Invitae), Labcorp
Classification: Uncertain significance. Last evaluated: 2024-11-30. Review status: criteria provided, single submitter. Criteria: Invitae Variant Classification Sherloc (09022015). Collection method: clinical testing. Allele origin: germline.
Comment: This sequence change creates a premature translational stop signal (p.Gln1553*) in the TET2 gene. While this is not anticipated to result in nonsense mediated decay, it is expected to disrupt the last 450 amino acid(s) of the TET2 protein. This variant is not present in population databases (gnomAD no frequency). This variant has not been reported in the literature in individuals affected with TET2-related conditions. Experimental studies and prediction algorithms are not available or were not evaluated, and the functional significance of this variant is currently unknown. In summary, the available evidence is currently insufficient to determine the role of this variant in disease. Therefore, it has been classified as a Variant of Uncertain Significance.